The following is an entry in ClinVar:

ClinVar aggregate classification (germline): Conflicting classifications of pathogenicity. Review status: criteria provided, conflicting classifications (1 of 4 stars). 7 submissions from 7 submitters: Uncertain significance (5); Likely benign (1). 1 of the submissions does not count toward it. Last evaluated 2025-10-18.

Conditions:
Hereditary cancer-predisposing syndrome. Also called: Neoplastic Syndromes, Hereditary; Hereditary Cancer Syndrome; Tumor predisposition; Hereditary neoplastic syndrome. Identifiers: Orphanet 140162, MedGen C0027672, MeSH D009386, MONDO:0015356.
Familial adenomatous polyposis 2. Also called: MUTYH-associated polyposis; MUTYH Polyposis; FAP type 2; Adenomas, multiple colorectal; COLORECTAL ADENOMATOUS POLYPOSIS, AUTOSOMAL RECESSIVE; ADENOMAS, MULTIPLE COLORECTAL, AUTOSOMAL RECESSIVE. Identifiers: Orphanet 220460, Orphanet 247798, MedGen C3272841, MONDO:0012041, OMIM 608456.

Allele frequency attached by ClinVar (database versions not stated): ESP Exome Variant Server 0.00008; gnomAD exomes below 0.00001.
gnomAD v4.1: 2 of 1,614,198 alleles (0.00012%); highest among the groups gnomAD compares: Non-Finnish European, 0.00017%; no homozygotes.

Submissions (7):

Labcorp Genetics (formerly Invitae), Labcorp
Classification: Uncertain significance for Familial adenomatous polyposis 2. Last evaluated: 2025-10-18. Review status: criteria provided, single submitter. Criteria: Invitae Variant Classification Sherloc (09022015). Collection method: clinical testing. Allele origin: germline.
Comment: This sequence change replaces serine, which is neutral and polar, with arginine, which is basic and polar, at codon 322 of the MUTYH protein (p.Ser322Arg). This variant is not present in population databases (gnomAD no frequency). This variant has not been reported in the literature in individuals affected with MUTYH-related conditions. ClinVar contains an entry for this variant (Variation ID: 141970). An algorithm developed to predict the effect of missense changes on protein structure and function outputs the following: PolyPhen-2: "Benign". The arginine amino acid residue is found in multiple mammalian species, which suggests that this missense change does not adversely affect protein function. In summary, the available evidence is currently insufficient to determine the role of this variant in disease. Therefore, it has been classified as a Variant of Uncertain Significance.

Quest Diagnostics Nichols Institute San Juan Capistrano
Classification: Uncertain significance. Last evaluated: 2025-03-18. Review status: criteria provided, single submitter. Criteria: Quest Diagnostics criteria. Collection method: clinical testing. Allele origin: unknown.
Comment: The MUTYH c.966C>G (p.Ser322Arg) variant has not been reported in individuals with MUTYH-related conditions in the published literature. The frequency of this variant in the general population (Genome Aggregation Database) is uninformative in the assessment of its pathogenicity. Analysis of this variant using bioinformatics tools for the prediction of the effect of amino acid changes on protein structure and function yielded predictions that this variant is benign. Based on the available information, we are unable to determine the clinical significance of this variant.

Ambry Genetics
Classification: Likely benign for Hereditary cancer-predisposing syndrome. Last evaluated: 2024-03-27. Review status: criteria provided, single submitter. Criteria: Ambry Variant Classification Scheme 2023. Collection method: clinical testing. Allele origin: germline.

All of Us Research Program, National Institutes of Health
Classification: Uncertain significance for Familial adenomatous polyposis 2. Last evaluated: 2024-02-05. Review status: criteria provided, single submitter. Criteria: ACMG Guidelines, 2015. Collection method: clinical testing. Allele origin: germline. Inheritance: Autosomal recessive inheritance. Observed: 2 variant alleles, 2 heterozygotes.
Comment: This missense variant replaces serine with arginine at codon 322 of the MUTYH protein. Computational prediction suggests that this variant may not impact protein structure and function (internally defined REVEL score threshold <= 0.5, PMID: 27666373). To our knowledge, functional studies have not been reported for this variant. This variant has not been reported in individuals affected with MUTYH-related disorders in the literature. This variant has been identified in 1/251460 chromosomes in the general population by the Genome Aggregation Database (gnomAD). The available evidence is insufficient to determine the role of this variant in disease conclusively. Therefore, this variant is classified as a Variant of Uncertain Significance.

This study involves interpretation of variants in research participants for the purpose of population health screening. Participant phenotype was not available at the time of variant classification. Additional details can be found in publication PMID: 35346344, PMCID: PMC8962531

Color Diagnostics, LLC DBA Color Health
Classification: Uncertain significance for Hereditary cancer-predisposing syndrome. Last evaluated: 2023-12-05. Review status: criteria provided, single submitter. Criteria: ACMG Guidelines, 2015. Collection method: clinical testing. Allele origin: germline.
Comment: This missense variant replaces serine with arginine at codon 322 of the MUTYH protein. Computational prediction suggests that this variant may not impact protein structure and function (internally defined REVEL score threshold <= 0.5, PMID: 27666373). To our knowledge, functional studies have not been reported for this variant. This variant has not been reported in individuals affected with MUTYH-related disorders in the literature. This variant has been identified in 1/251460 chromosomes in the general population by the Genome Aggregation Database (gnomAD). The available evidence is insufficient to determine the role of this variant in disease conclusively. Therefore, this variant is classified as a Variant of Uncertain Significance.

GeneDx
Classification: Uncertain significance. Last evaluated: 2019-09-25. Review status: criteria provided, single submitter. Criteria: GeneDx Variant Classification Process June 2021. Collection method: clinical testing. Allele origin: germline. Affected: yes.
Comment: Not observed at a significant frequency in large population cohorts (Lek 2016); In silico analysis, which includes protein predictors and evolutionary conservation, supports that this variant does not alter protein structure/function; Has not been previously published as pathogenic or benign to our knowledge

Counsyl
Classification: Uncertain significance for Familial adenomatous polyposis 2. Last evaluated: 2016-04-13. Review status: no assertion criteria provided. Collection method: clinical testing. Allele origin: unknown. Not counted in ClinVar's aggregate classification.

NM_001048174.2(MUTYH):c.882C>G (p.Ser294Arg)

Gene: MUTYH (mutY DNA glycosylase; minus strand). Cytogenetic location: 1p34.1.
Variant type: single nucleotide variant.
Coding change: c.882C>G on transcript NM_001048174.2 (MANE Select); coding-DNA position 882, C replaced by G.
Protein change: p.Ser294Arg; replaces serine 294 with arginine.
Molecular consequence: missense variant. On other transcripts: non-coding transcript variant (2).
Genome position (GRCh38, 1-based): chr1:45,332,054, G>C on the plus strand (C>G on the coding strand, the complement: MUTYH is on the minus strand). VCF-style: chr1-45332054-G-C. GRCh37 (hg19) VCF-style: chr1-45797726-G-C.
Other names: c.882C>G, p.Ser294Arg (NM_001048171.2, NM_001048173.2, NM_001293195.2); c.885C>G, p.Ser295Arg (NM_001048172.2); c.966C>G, p.Ser322Arg (NM_001128425.2); c.927C>G, p.Ser309Arg (NM_001293190.2); c.915C>G, p.Ser305Arg (NM_001293191.2); c.606C>G, p.Ser202Arg (NM_001293192.2, NM_001293196.2); c.537C>G, p.Ser179Arg (NM_001350650.2, NM_001350651.2); c.957C>G, p.Ser319Arg (NM_012222.3); short protein forms S322R, S308R, S309R, S305R, S179R, S294R, S319R, S202R.
Identifiers: ClinVar variation 141970 (VCV000141970.24), dbSNP rs138833473, ClinGen allele CA014745.